The following is an entry in ClinVar:

ClinVar aggregate classification (germline): Uncertain significance (1 of 4 stars; one submission).

Conditions:
Primary ciliary dyskinesia 30. Also called: CILIARY DYSKINESIA, PRIMARY, 30, WITH OR WITHOUT SITUS INVERSUS. Identifiers: Orphanet 244, MedGen C4015016, MONDO:0014465, OMIM 616037.

gnomAD v4.1: 15 of 1,580,000 alleles (0.00095%); highest among the groups gnomAD compares: African/African-American, 0.019%; no homozygotes.

Submission:

Labcorp Genetics (formerly Invitae), Labcorp
Classification: Uncertain significance for Primary ciliary dyskinesia 30. Last evaluated: 2024-12-09. Review status: criteria provided, single submitter. Criteria: Invitae Variant Classification Sherloc (09022015). Collection method: clinical testing. Allele origin: germline.
Comment: This sequence change falls in intron 10 of the CCDC151 gene. It does not directly change the encoded amino acid sequence of the CCDC151 protein. It affects a nucleotide within the consensus splice site. The frequency data for this variant in the population databases is considered unreliable, as metrics indicate poor data quality at this position in the gnomAD database. This variant has not been reported in the literature in individuals affected with CCDC151-related conditions. Variants that disrupt the consensus splice site are a relatively common cause of aberrant splicing (PMID: 17576681, 9536098). Algorithms developed to predict the effect of sequence changes on RNA splicing suggest that this variant may disrupt the consensus splice site. In summary, the available evidence is currently insufficient to determine the role of this variant in disease. Therefore, it has been classified as a Variant of Uncertain Significance.

Literature cited by the submitters: PubMed 17576681; PubMed 9536098.

NM_145045.5(ODAD3):c.1434+5G>T

Gene: ODAD3 (outer dynein arm docking complex subunit 3; minus strand). Cytogenetic location: 19p13.2.
Variant type: single nucleotide variant.
Coding change: c.1434+5G>T on transcript NM_145045.5 (MANE Select); 5 bases into the intron after coding-DNA position 1434, G replaced by T.
Molecular consequence: intron variant.
Genome position (GRCh38, 1-based): chr19:11,422,466, C>A on the plus strand (G>T on the coding strand, the complement: ODAD3 is on the minus strand). VCF-style: chr19-11422466-C-A. GRCh37 (hg19) VCF-style: chr19-11533134-C-A.
Other names: c.1272+5G>T (NM_001302453.1); c.1254+5G>T (NM_001302454.2).
Identifiers: ClinVar variation 3704866 (VCV003704866.1).